The following is an entry in ClinVar:

NM_020778.5(ALPK3):c.983G>A (p.Arg328Gln)

Gene: ALPK3 (alpha kinase 3; plus strand). Cytogenetic location: 15q25.3.
Variant type: single nucleotide variant.
Coding change: c.983G>A on transcript NM_020778.5 (MANE Select); coding-DNA position 983, G replaced by A.
Protein change: p.Arg328Gln; replaces arginine 328 with glutamine.
Molecular consequence: missense variant.
Genome position (GRCh38, 1-based): chr15:84,840,262, G>A. VCF-style: chr15-84840262-G-A. GRCh37 (hg19) VCF-style: chr15-85383493-G-A.
Other names: c.1589G>A (NM_020778.4); short protein forms R328Q.
Identifiers: ClinVar variation 1476716 (VCV001476716.11), dbSNP rs1343260515, ClinGen allele CA393373981.

ClinVar aggregate classification (germline): Conflicting classifications of pathogenicity. Review status: criteria provided, conflicting classifications (1 of 4 stars). 3 submissions from 3 submitters: Uncertain significance (2); Likely benign (1). Last evaluated 2026-06-15.

Conditions:
ALPK3-related disorder. Also called: ALPK3-related condition.
Cardiovascular phenotype. Identifiers: MedGen CN230736.

Allele frequency attached by ClinVar (database versions not stated): gnomAD exomes 0.00001 and 0.00002; TOPMed 0.00006; gnomAD 0.00008.
gnomAD v4.1: 19 of 1,613,754 alleles (0.0012%); highest among the groups gnomAD compares: Admixed American, 0.028%; no homozygotes.

Submissions (3):

PreventionGenetics, part of Exact Sciences
Classification: Uncertain significance for ALPK3-related condition. Last evaluated: 2026-06-15. Review status: criteria provided, single submitter. Criteria: ACMG Guidelines, 2015. Collection method: clinical testing. Allele origin: germline.
Comment: The ALPK3 c.1589G>A variant is predicted to result in the amino acid substitution p.Arg530Gln. To our knowledge, this variant has not been reported in the literature. This variant is reported in 0.012% of alleles in individuals of Latino descent in gnomAD. At this time, the clinical significance of this variant is uncertain due to the absence of conclusive functional and genetic evidence.

Labcorp Genetics (formerly Invitae), Labcorp
Classification: Uncertain significance. Last evaluated: 2025-10-23. Review status: criteria provided, single submitter. Criteria: Invitae Variant Classification Sherloc (09022015). Collection method: clinical testing. Allele origin: germline.
Comment: This sequence change replaces arginine, which is basic and polar, with glutamine, which is neutral and polar, at codon 530 of the ALPK3 protein (p.Arg530Gln). This variant is present in population databases (no rsID available, gnomAD 0.01%). This variant has not been reported in the literature in individuals affected with ALPK3-related conditions. ClinVar contains an entry for this variant (Variation ID: 1476716). Invitae Evidence Modeling of protein sequence and biophysical properties (such as structural, functional, and spatial information, amino acid conservation, physicochemical variation, residue mobility, and thermodynamic stability) indicates that this missense variant is not expected to disrupt ALPK3 protein function with a negative predictive value of 80%. In summary, the available evidence is currently insufficient to determine the role of this variant in disease. Therefore, it has been classified as a Variant of Uncertain Significance.

Ambry Genetics
Classification: Likely benign for Cardiovascular phenotype. Last evaluated: 2023-12-03. Review status: criteria provided, single submitter. Criteria: Ambry Variant Classification Scheme 2023. Collection method: clinical testing. Allele origin: germline.